The following is an entry in ClinVar:

ClinVar aggregate classification (germline): Uncertain significance (1 of 4 stars; one submission).

Submission:

Dasa
Classification: Uncertain significance. Last evaluated: 2025-11-09. Review status: criteria provided, single submitter. Criteria: DASA Assertion Criteria. Collection method: clinical testing. Allele origin: germline.
Comment: NM_153827.5(MINK1):c.3992A>T (p.Asn1331Ile) is a missense variant that results in the substitution of asparagine with isoleucine. This variant is absent from population databases. Computational prediction algorithms are consistent with a deleterious effect. The currently available literature and clinical evidence are not sufficient to establish a definitive association between this variant and the reported condition. Therefore, this variant is classified as a variant of uncertain significance.

NM_153827.5(MINK1):c.3992A>T (p.Asn1331Ile)

Gene: MINK1 (misshapen like kinase 1; plus strand). Cytogenetic location: 17p13.2.
Variant type: single nucleotide variant.
Coding change: c.3992A>T on transcript NM_153827.5 (MANE Select); coding-DNA position 3992, A replaced by T.
Protein change: p.Asn1331Ile; replaces asparagine 1331 with isoleucine.
Molecular consequence: missense variant.
Genome position (GRCh38, 1-based): chr17:4,897,280, A>T. VCF-style: chr17-4897280-A-T. GRCh37 (hg19) VCF-style: chr17-4800575-A-T.
Other names: c.3932A>T, p.Asn1311Ile (NM_001024937.4); c.3716A>T, p.Asn1239Ile (NM_001321236.2); c.3881A>T, p.Asn1294Ile (NM_015716.5); c.3905A>T, p.Asn1302Ile (NM_170663.5); short protein forms N1239I, N1294I, N1302I, N1311I, N1331I.
Identifiers: ClinVar variation 4883404 (VCV004883404.2).